The following is an entry in ClinVar:

ClinVar aggregate classification (germline): Uncertain significance (1 of 4 stars; one submission).

gnomAD v4.1: 16 of 1,614,106 alleles (0.00099%); highest among the groups gnomAD compares: Admixed American, 0.0017%; no homozygotes.

Submission:

Labcorp Genetics (formerly Invitae), Labcorp
Classification: Uncertain significance. Last evaluated: 2025-10-08. Review status: criteria provided, single submitter. Criteria: Invitae Variant Classification Sherloc (09022015). Collection method: clinical testing. Allele origin: germline.
Comment: This sequence change replaces lysine, which is basic and polar, with arginine, which is basic and polar, at codon 529 of the HYOU1 protein (p.Lys529Arg). This variant is present in population databases (rs782708255, gnomAD 0.004%). This variant has not been reported in the literature in individuals affected with HYOU1-related conditions. An algorithm developed to predict the effect of missense changes on protein structure and function outputs the following: PolyPhen-2: "Not Available". The arginine amino acid residue is found in multiple mammalian species, which suggests that this missense change does not adversely affect protein function. In summary, the available evidence is currently insufficient to determine the role of this variant in disease. Therefore, it has been classified as a Variant of Uncertain Significance.

NM_006389.5(HYOU1):c.1586A>G (p.Lys529Arg)

Gene: HYOU1 (hypoxia up-regulated 1; minus strand). Cytogenetic location: 11q23.3.
Variant type: single nucleotide variant.
Coding change: c.1586A>G on transcript NM_006389.5 (MANE Select); coding-DNA position 1586, A replaced by G.
Protein change: p.Lys529Arg; replaces lysine 529 with arginine.
Molecular consequence: missense variant.
Genome position (GRCh38, 1-based): chr11:119,051,114, T>C on the plus strand (A>G on the coding strand, the complement: HYOU1 is on the minus strand). VCF-style: chr11-119051114-T-C. GRCh37 (hg19) VCF-style: chr11-118921826-T-C.
Other names: c.1586A>G, p.Lys529Arg (NM_001130991.3, NM_001411041.1); short protein forms K529R.
Identifiers: ClinVar variation 4805821 (VCV004805821.1).
Genomic context (GRCh38, chr11:119,051,114, plus strand): 5'-CCACTCTCATCCAGGTTGAAGTGAGCCTTGATGCCCTTGGACTCGTAGTCAGGATACTTC[T>C]TGAAGCTGTCACCCACCCCTTTTAGCTTCACTGTGGTCAGATTCTGGGAGCCAAATACCC-3'
Protein context (NP_006380.1, residues 519-539): VKLKGVGDSF[Lys529Arg]KYPDYESKGI